The following is an entry in ClinVar:

ClinVar aggregate classification (germline): Pathogenic (1 of 4 stars; one submission).

Submission:

Labcorp Genetics (formerly Invitae), Labcorp
Classification: Pathogenic. Last evaluated: 2025-11-18. Review status: criteria provided, single submitter. Criteria: Invitae Variant Classification Sherloc (09022015). Collection method: clinical testing. Allele origin: germline.
Comment: This sequence change replaces glycine, which is neutral and non-polar, with serine, which is neutral and polar, at codon 669 of the COL4A5 protein (p.Gly669Ser). This variant is not present in population databases (gnomAD no frequency). This missense change has been observed in individuals with Alport syndrome (PMID: 28542346, 37225412; internal data). Invitae Evidence Modeling of protein sequence and biophysical properties (such as structural, functional, and spatial information, amino acid conservation, physicochemical variation, residue mobility, and thermodynamic stability) indicates that this missense variant is expected to disrupt COL4A5 protein function with a positive predictive value of 95%. This variant disrupts the triple helix domain of COL4A5. Glycine residues within the Gly-Xaa-Yaa repeats of the triple helix domain are required for the structure and stability of fibrillar collagens (PMID: 7695699, 8218237, 19344236). In COL4A5, missense variants at these glycine residues are significantly enriched in individuals with disease (PMID: 23720012, 27627812) compared to the general population (ExAC). This variant disrupts the p.Gly669 amino acid residue in COL4A5. Other variant(s) that disrupt this residue have been observed in individuals with COL4A5-related conditions (PMID: 10094548, 15780079, 17396119), which suggests that this may be a clinically significant amino acid residue. For these reasons, this variant has been classified as Pathogenic.

Literature cited by the submitters: PubMed 28542346; PubMed 37225412; PubMed 7695699; PubMed 8218237; PubMed 19344236; PubMed 23720012; PubMed 27627812; PubMed 10094548; PubMed 15780079; PubMed 17396119.

NM_033380.3(COL4A5):c.2005G>A (p.Gly669Ser)

Gene: COL4A5 (collagen type IV alpha 5 chain; plus strand). Cytogenetic location: Xq22.3.
Variant type: single nucleotide variant.
Coding change: c.2005G>A on transcript NM_033380.3 (MANE Select); coding-DNA position 2005, G replaced by A.
Protein change: p.Gly669Ser; replaces glycine 669 with serine.
Molecular consequence: missense variant.
Genome position (GRCh38, 1-based): chrX:108,601,449, G>A. VCF-style: chrX-108601449-G-A. GRCh37 (hg19) VCF-style: chrX-107844679-G-A.
Other names: c.2005G>A, p.Gly669Ser (NM_000495.5); short protein forms G669S.
Identifiers: ClinVar variation 4710867 (VCV004710867.1).